The following is an entry in ClinVar:

NM_004562.3(PRKN):c.814C>A (p.Leu272Ile)

Gene: PRKN (parkin RBR E3 ubiquitin protein ligase; minus strand). Cytogenetic location: 6q26.
Variant type: single nucleotide variant.
Coding change: c.814C>A on transcript NM_004562.3 (MANE Select); coding-DNA position 814, C replaced by A.
Protein change: p.Leu272Ile; replaces leucine 272 with isoleucine.
Molecular consequence: missense variant.
Genome position (GRCh38, 1-based): chr6:161,785,829, G>T on the plus strand (C>A on the coding strand, the complement: PRKN is on the minus strand). VCF-style: chr6-161785829-G-T. GRCh37 (hg19) VCF-style: chr6-162206861-G-T.
Other names: c.730C>A, p.Leu244Ile (NM_013987.3); c.367C>A, p.Leu123Ile (NM_013988.3); short protein forms L244I, L123I, L272I.
Identifiers: ClinVar variation 906230 (VCV000906230.7), dbSNP rs141366047, ClinGen allele CA4090215.

ClinVar aggregate classification (germline): Conflicting classifications of pathogenicity. Review status: criteria provided, conflicting classifications (1 of 4 stars). 2 submissions from 2 submitters: Uncertain significance (1); Likely benign (1). Last evaluated 2024-04-22.

Conditions:
Autosomal recessive juvenile Parkinson disease 2. Also called: Parkinson disease autosomal recessive, early onset; Juvenile parkinsonism; Parkinsonism, early onset, with diurnal fluctuation; PARKINSON DISEASE, JUVENILE, AUTOSOMAL RECESSIVE; Parkinson disease, juvenile, type 2; PRKN-Related Early-Onset Parkinson Disease. Identifiers: Orphanet 2828, MedGen C1868675, MONDO:0010820, OMIM 600116.

Allele frequency attached by ClinVar (database versions not stated): gnomAD 0.00004 and 0.00011; TOPMed 0.00005; 1000 Genomes Project 30x 0.00094; 1000 Genomes Project 0.00120.
gnomAD v4.1: 339 of 1,614,122 alleles (0.021%); highest among the groups gnomAD compares: East Asian, 0.75%; 2 homozygotes.

Submissions (2):

Labcorp Genetics (formerly Invitae), Labcorp
Classification: Uncertain significance. Last evaluated: 2024-04-22. Review status: criteria provided, single submitter. Criteria: Invitae Variant Classification Sherloc (09022015). Collection method: clinical testing. Allele origin: germline.
Comment: This sequence change replaces leucine, which is neutral and non-polar, with isoleucine, which is neutral and non-polar, at codon 272 of the PRKN protein (p.Leu272Ile). This variant is present in population databases (rs141366047, gnomAD 0.1%). This missense change has been observed in individual(s) with Parkinson disease (PMID: 21625934, 25939424, 30502028, 31217084, 32613234). This variant is also known as p.L123I. ClinVar contains an entry for this variant (Variation ID: 906230). Advanced modeling of protein sequence and biophysical properties (such as structural, functional, and spatial information, amino acid conservation, physicochemical variation, residue mobility, and thermodynamic stability) has been performed at Invitae for this missense variant, however the output from this modeling did not meet the statistical confidence thresholds required to predict the impact of this variant on PRKN protein function. This variant disrupts the p.Leu272 amino acid residue in PRKN. Other variant(s) that disrupt this residue have been observed in individuals with PRKN-related conditions (PMID: 31929871), which suggests that this may be a clinically significant amino acid residue. In summary, the available evidence is currently insufficient to determine the role of this variant in disease. Therefore, it has been classified as a Variant of Uncertain Significance.

Illumina Laboratory Services, Illumina
Classification: Likely benign for Autosomal recessive juvenile Parkinson disease 2. Last evaluated: 2017-04-27. Review status: criteria provided, single submitter. Criteria: ICSL Variant Classification Criteria 13 December 2019. Collection method: clinical testing. Allele origin: germline.
Comment: This variant was observed as part of a predisposition screen in an ostensibly healthy population. A literature search was performed for the gene, cDNA change, and amino acid change (where applicable). Publications were found based on this search. The evidence from the literature, in combination with allele frequency data from public databases where available, was sufficient to determine this variant is unlikely to cause disease. Therefore, this variant is classified as likely benign.

Literature cited by the submitters: PubMed 21625934 (cited by Labcorp Genetics (formerly Invitae), Labcorp); PubMed 25939424 (cited by Labcorp Genetics (formerly Invitae), Labcorp); PubMed 30502028 (cited by Labcorp Genetics (formerly Invitae), Labcorp); PubMed 31217084 (cited by Labcorp Genetics (formerly Invitae), Labcorp); PubMed 32613234 (cited by Labcorp Genetics (formerly Invitae), Labcorp); PubMed 31929871 (cited by Labcorp Genetics (formerly Invitae), Labcorp); PubMed 16269266 (cited by Illumina Laboratory Services, Illumina); PubMed 22302706 (cited by Illumina Laboratory Services, Illumina); PubMed 21534944 (cited by Illumina Laboratory Services, Illumina); PubMed 15193026 (cited by Illumina Laboratory Services, Illumina).